The following is an entry in ClinVar:

ClinVar aggregate classification (germline): Pathogenic (1 of 4 stars; one submission).

Submission:

Labcorp Genetics (formerly Invitae), Labcorp
Classification: Pathogenic. Last evaluated: 2020-09-20. Review status: criteria provided, single submitter. Criteria: Invitae Variant Classification Sherloc (09022015). Collection method: clinical testing. Allele origin: germline.
Comment: For these reasons, this variant has been classified as Pathogenic. Loss-of-function variants in CNGB3 are known to be pathogenic (PMID: 28795510). This variant has not been reported in the literature in individuals with CNGB3-related conditions. This variant is an out-of-frame deletion of the genomic region encompassing exon(s) 11-13 of the CNGB3 gene. This is expected to create a premature translational stop signal and result in an absent or disrupted protein product.

Literature cited by the submitters: PubMed 28795510.

NC_000008.10:g.(?_87638201)_(87645131_?)del

Gene: CNGB3 (cyclic nucleotide gated channel subunit beta 3; minus strand). Cytogenetic location: 8q21.3.
Variant type: Deletion.
Identifiers: ClinVar variation 1069005 (VCV001069005.5).